The following is an entry in ClinVar:

ClinVar aggregate classification (germline): Uncertain significance (1 of 4 stars; one submission).

Conditions:
Spinocerebellar ataxia, autosomal recessive, with axonal neuropathy 2 (SCAN2). Also called: ATAXIA-OCULOMOTOR APRAXIA 2; Ataxia-ocular apraxia-2; Ataxia with Oculomotor Apraxia; Ataxia with Oculomotor Apraxia Type 2. Identifiers: Orphanet 64753, MedGen C1853761, MONDO:0018996, OMIM 606002.
Amyotrophic lateral sclerosis type 4 (ALS4). Also called: AMYOTROPHIC LATERAL SCLEROSIS 4, JUVENILE; NEURONOPATHY, DISTAL HEREDITARY MOTOR, WITH PYRAMIDAL FEATURES. Identifiers: Orphanet 357043, MedGen C1865409, MONDO:0011223, OMIM 602433.

gnomAD v4.1: 2 of 1,583,770 alleles (0.00013%); highest among the groups gnomAD compares: African/African-American, 0.0014%; no homozygotes.

Submission:

Labcorp Genetics (formerly Invitae), Labcorp
Classification: Uncertain significance for Amyotrophic lateral sclerosis type 4; Spinocerebellar ataxia, autosomal recessive, with axonal neuropathy 2. Last evaluated: 2025-06-18. Review status: criteria provided, single submitter. Criteria: Invitae Variant Classification Sherloc (09022015). Collection method: clinical testing. Allele origin: germline.
Comment: This sequence change replaces valine, which is neutral and non-polar, with isoleucine, which is neutral and non-polar, at codon 443 of the SETX protein (p.Val443Ile). This variant is not present in population databases (gnomAD no frequency). This variant has not been reported in the literature in individuals affected with SETX-related conditions. Invitae Evidence Modeling of protein sequence and biophysical properties (such as structural, functional, and spatial information, amino acid conservation, physicochemical variation, residue mobility, and thermodynamic stability) indicates that this missense variant is not expected to disrupt SETX protein function with a negative predictive value of 95%. In summary, the available evidence is currently insufficient to determine the role of this variant in disease. Therefore, it has been classified as a Variant of Uncertain Significance.

NM_015046.7(SETX):c.1327G>A (p.Val443Ile)

Gene: SETX (senataxin; minus strand). Cytogenetic location: 9q34.13.
Variant type: single nucleotide variant.
Coding change: c.1327G>A on transcript NM_015046.7 (MANE Select); coding-DNA position 1327, G replaced by A.
Protein change: p.Val443Ile; replaces valine 443 with isoleucine.
Molecular consequence: missense variant.
Genome position (GRCh38, 1-based): chr9:132,330,271, C>T on the plus strand (G>A on the coding strand, the complement: SETX is on the minus strand). VCF-style: chr9-132330271-C-T. GRCh37 (hg19) VCF-style: chr9-135205658-C-T.
Other names: c.1327G>A, p.Val443Ile (NM_001351527.2, NM_001351528.2); short protein forms V443I.
Identifiers: ClinVar variation 4791551 (VCV004791551.1).